The following is an entry in ClinVar:

ClinVar aggregate classification (germline): Likely pathogenic (1 of 4 stars; one submission).

Conditions:
Dilated cardiomyopathy 1G (CMD1G). Identifiers: Orphanet 154, MedGen C1858763, MONDO:0011400, OMIM 604145.
Autosomal recessive limb-girdle muscular dystrophy type 2J (LGMDR10). Also called: Limb-girdle muscular dystrophy, type 2J; MUSCULAR DYSTROPHY, LIMB-GIRDLE, AUTOSOMAL RECESSIVE 10. Identifiers: Orphanet 140922, MedGen C1837342, MONDO:0012127, OMIM 608807.

Submission:

Labcorp Genetics (formerly Invitae), Labcorp
Classification: Likely pathogenic for Dilated cardiomyopathy 1G; Autosomal recessive limb-girdle muscular dystrophy type 2J. Last evaluated: 2024-10-16. Review status: criteria provided, single submitter. Criteria: Invitae Variant Classification Sherloc (09022015). Collection method: clinical testing. Allele origin: germline.
Comment: This sequence change affects an acceptor splice site in intron 339 of the TTN gene. It is expected to disrupt RNA splicing and likely results in a truncated or disrupted TTN protein. This variant is not present in population databases (gnomAD no frequency). This variant has not been reported in the literature in individuals affected with TTN-related conditions. Algorithms developed to predict the effect of sequence changes on RNA splicing suggest that this variant may disrupt the consensus splice site. This variant is located in the A band of TTN (PMID: 25589632). Truncating variants in this region are significantly overrepresented in patients affected with dilated cardiomyopathy (PMID: 25589632). Truncating variants in this region have also been reported in individuals affected with autosomal recessive centronuclear myopathy (PMID: 23975875). In summary, the currently available evidence indicates that the variant is pathogenic, but additional data are needed to prove that conclusively. Therefore, this variant has been classified as Likely Pathogenic.

Literature cited by the submitters: PubMed 25589632; PubMed 23975875.

NM_001267550.2(TTN):c.94220-1G>C

Genes: TTN (titin; minus strand), TTN-AS1 (TTN antisense RNA 1; plus strand). Cytogenetic location: 2q31.2.
Variant type: single nucleotide variant.
Coding change: c.94220-1G>C on transcript NM_001267550.2 (MANE Select); the canonical splice acceptor site of the intron before coding-DNA position 94220, G replaced by C.
Molecular consequence: splice acceptor variant.
Genome position (GRCh38, 1-based): chr2:178,547,306, C>G on the plus strand (G>C on the coding strand, the complement: TTN is on the minus strand). VCF-style: chr2-178547306-C-G. GRCh37 (hg19) VCF-style: chr2-179412033-C-G.
Other names: c.67025-1G>C (NM_003319.4); c.67601-1G>C (NM_133437.4); c.67400-1G>C (NM_133432.3); c.86516-1G>C (NM_133378.4); c.89297-1G>C (NM_001256850.1).
Identifiers: ClinVar variation 3759482 (VCV003759482.2).